The following is an entry in ClinVar:

ClinVar aggregate classification (germline): Uncertain significance. Review status: criteria provided, multiple submitters, no conflicts (2 of 4 stars). 2 submissions from 2 submitters: Uncertain significance (2). Last evaluated 2025-12-24.

Allele frequency attached by ClinVar (database versions not stated): gnomAD exomes below 0.00001.
gnomAD v4.1: 6 of 1,614,208 alleles (0.00037%); highest among the groups gnomAD compares: Non-Finnish European, 0.00051%; no homozygotes.

Submissions (2):

Labcorp Genetics (formerly Invitae), Labcorp
Classification: Uncertain significance. Last evaluated: 2025-12-24. Review status: criteria provided, single submitter. Criteria: Invitae Variant Classification Sherloc (09022015). Collection method: clinical testing. Allele origin: germline.
Comment: This sequence change replaces threonine, which is neutral and polar, with alanine, which is neutral and non-polar, at codon 739 of the TFRC protein (p.Thr739Ala). This variant is not present in population databases (gnomAD no frequency). This variant has not been reported in the literature in individuals affected with TFRC-related conditions. ClinVar contains an entry for this variant (Variation ID: 3000048). Invitae Evidence Modeling of protein sequence and biophysical properties (such as structural, functional, and spatial information, amino acid conservation, physicochemical variation, residue mobility, and thermodynamic stability) indicates that this missense variant is not expected to disrupt TFRC protein function with a negative predictive value of 80%. In summary, the available evidence is currently insufficient to determine the role of this variant in disease. Therefore, it has been classified as a Variant of Uncertain Significance.

Blueprint Genetics
Classification: Uncertain significance. Last evaluated: 2023-07-07. Review status: criteria provided, single submitter. Criteria: ACMG Guidelines, 2015. Collection method: clinical testing. Allele origin: germline.

NM_001128148.3(TFRC):c.2215A>G (p.Thr739Ala)

Gene: TFRC (transferrin receptor; minus strand). Cytogenetic location: 3q29.
Variant type: single nucleotide variant.
Coding change: c.2215A>G on transcript NM_001128148.3 (MANE Select); coding-DNA position 2215, A replaced by G.
Protein change: p.Thr739Ala; replaces threonine 739 with alanine.
Molecular consequence: missense variant.
Genome position (GRCh38, 1-based): chr3:196,052,010, T>C on the plus strand (A>G on the coding strand, the complement: TFRC is on the minus strand). VCF-style: chr3-196052010-T-C. GRCh37 (hg19) VCF-style: chr3-195778881-T-C.
Other names: c.1972A>G, p.Thr658Ala (NM_001313965.2); c.1369A>G, p.Thr457Ala (NM_001313966.2); c.2215A>G, p.Thr739Ala (NM_003234.4); short protein forms T658A, T739A, T457A.
Identifiers: ClinVar variation 3000048 (VCV003000048.4), dbSNP rs1716349558, ClinGen allele CA355557764.